The following is an entry in ClinVar:

ClinVar aggregate classification (germline): Uncertain significance. Review status: criteria provided, multiple submitters, no conflicts (2 of 4 stars). 2 submissions from 2 submitters: Uncertain significance (2). Last evaluated 2026-05-01.

gnomAD v4.1: 21 of 1,537,118 alleles (0.0014%); highest among the groups gnomAD compares: Non-Finnish European, 0.0017%; no homozygotes.

Submissions (2):

Women's Health and Genetics/Laboratory Corporation of America, LabCorp
Classification: Uncertain significance. Last evaluated: 2026-05-01. Review status: criteria provided, single submitter. Criteria: LabCorp Variant Classification Summary - May 2015. Collection method: clinical testing. Allele origin: germline.
Comment: Variant summary: PIEZO2 c.6157G>A (p.Glu2053Lys) results in a conservative amino acid change in the encoded protein sequence. Algorithms developed to predict the effect of missense changes on protein structure and function all suggest that this variant is likely to be tolerated. The variant was absent in 141614 control chromosomes. The available data on variant occurrences in the general population are insufficient to allow any conclusion about variant significance. To our knowledge, no occurrence of c.6157G>A in individuals affected with PIEZO2-related conditions and no experimental evidence demonstrating its impact on protein function have been reported. ClinVar contains an entry for this variant (Variation ID: 3714956). Based on the evidence outlined above, the variant was classified as uncertain significance.

Labcorp Genetics (formerly Invitae), Labcorp
Classification: Uncertain significance. Last evaluated: 2024-10-30. Review status: criteria provided, single submitter. Criteria: Invitae Variant Classification Sherloc (09022015). Collection method: clinical testing. Allele origin: germline.
Comment: This sequence change replaces glutamic acid, which is acidic and polar, with lysine, which is basic and polar, at codon 2053 of the PIEZO2 protein (p.Glu2053Lys). This variant is not present in population databases (gnomAD no frequency). This variant has not been reported in the literature in individuals affected with PIEZO2-related conditions. Invitae Evidence Modeling of protein sequence and biophysical properties (such as structural, functional, and spatial information, amino acid conservation, physicochemical variation, residue mobility, and thermodynamic stability) indicates that this missense variant is not expected to disrupt PIEZO2 protein function with a negative predictive value of 80%. In summary, the available evidence is currently insufficient to determine the role of this variant in disease. Therefore, it has been classified as a Variant of Uncertain Significance.

NM_001378183.1(PIEZO2):c.6496G>A (p.Glu2166Lys)

Gene: PIEZO2 (piezo type mechanosensitive ion channel component 2; minus strand). Cytogenetic location: 18p11.22.
Variant type: single nucleotide variant.
Coding change: c.6496G>A on transcript NM_001378183.1 (MANE Select); coding-DNA position 6496, G replaced by A.
Protein change: p.Glu2166Lys; replaces glutamic acid 2166 with lysine.
Molecular consequence: missense variant.
Genome position (GRCh38, 1-based): chr18:10,699,123, C>T on the plus strand (G>A on the coding strand, the complement: PIEZO2 is on the minus strand). VCF-style: chr18-10699123-C-T. GRCh37 (hg19) VCF-style: chr18-10699121-C-T.
Other names: c.6232G>A, p.Glu2078Lys (NM_001410871.1); c.6157G>A, p.Glu2053Lys (NM_022068.4); short protein forms E2053K, E2166K, E2078K.
Identifiers: ClinVar variation 3714956 (VCV003714956.3).